The following is an entry in ClinVar:

ClinVar aggregate classification (germline): Uncertain significance. Review status: criteria provided, single submitter (1 of 4 stars). 2 submissions from 2 submitters: Uncertain significance (1). 1 of the submissions does not count toward it. Last evaluated 2024-01-27.

Conditions:
Prostate cancer, hereditary, 1 (HPC1). Identifiers: Orphanet 1331, MedGen C4722327, MONDO:0011098, OMIM 601518.
Hereditary cancer-predisposing syndrome. Also called: Neoplastic Syndromes, Hereditary; Tumor predisposition; Hereditary neoplastic syndrome; Hereditary Cancer Syndrome. Identifiers: Orphanet 140162, MedGen C0027672, MeSH D009386, MONDO:0015356.

Submissions (2):

Ambry Genetics
Classification: Uncertain significance for Hereditary cancer-predisposing syndrome. Last evaluated: 2024-01-27. Review status: criteria provided, single submitter. Criteria: Ambry Variant Classification Scheme 2023. Collection method: clinical testing. Allele origin: germline.
Comment: The p.R214P variant (also known as c.641G>C), located in coding exon 2 of the HOXB13 gene, results from a G to C substitution at nucleotide position 641. The arginine at codon 214 is replaced by proline, an amino acid with dissimilar properties. This amino acid position is conserved. In addition, this alteration is predicted to be deleterious by in silico analysis. Based on the available evidence, the clinical significance of this alteration remains unclear.

Laboratory of Virology, Microbiology,  Quality and Medical Biotechnologies, Faculty of Sciences and Techniques - Mohammedia, Hassan II University of Casablanca
Classification: Uncertain significance for Prostate cancer, hereditary, 1. Review status: no assertion criteria provided. Collection method: clinical testing. Allele origin: somatic. Affected: yes. Not counted in ClinVar's aggregate classification.

NM_006361.6(HOXB13):c.641G>C (p.Arg214Pro)

Gene: HOXB13 (homeobox B13; minus strand). Cytogenetic location: 17q21.32.
Variant type: single nucleotide variant.
Coding change: c.641G>C on transcript NM_006361.6 (MANE Select); coding-DNA position 641, G replaced by C.
Protein change: p.Arg214Pro; replaces arginine 214 with proline.
Molecular consequence: missense variant.
Genome position (GRCh38, 1-based): chr17:48,727,004, C>G on the plus strand (G>C on the coding strand, the complement: HOXB13 is on the minus strand). VCF-style: chr17-48727004-C-G. GRCh37 (hg19) VCF-style: chr17-46804366-C-G.
Other names: short protein forms R214P.
Identifiers: ClinVar variation 691131 (VCV000691131.3), dbSNP rs1466480316, ClinGen allele CA400106914.
Genomic context (GRCh38, chr17:48,727,004, plus strand): 5'-TCCCGCTCCAGCTCCCGCAACTGCCCCTTGCTGTACGGAATGCGTTTCTTGCGGCCGCGA[C>G]GAAAGGCGCAGGCGTCAGGAGGGTGCTGCCCGCTGGAGTCTGCGCGGCGTGAAAGGGAGG-3'
Protein context (NP_006352.2, residues 204-224): GQHPPDACAF[Arg214Pro]RGRKKRIPYS